The following is an entry in ClinVar:

NM_007294.4(BRCA1):c.2245G>A (p.Asp749Asn)

Gene: BRCA1 (BRCA1 DNA repair associated; minus strand). Cytogenetic location: 17q21.31.
Variant type: single nucleotide variant.
Coding change: c.2245G>A on transcript NM_007294.4 (MANE Select); coding-DNA position 2245, G replaced by A.
Protein change: p.Asp749Asn; replaces aspartic acid 749 with asparagine.
Molecular consequence: missense variant. On other transcripts: intron variant (137).
Genome position (GRCh38, 1-based): chr17:43,093,286, C>T on the plus strand (G>A on the coding strand, the complement: BRCA1 is on the minus strand). VCF-style: chr17-43093286-C-T. GRCh37 (hg19) VCF-style: chr17-41245303-C-T.
Other names: c.671-2254G>A (NM_001408423.1, NM_001408420.1, NM_001408419.1 and 2 more transcripts); c.2104G>A, p.Asp702Asn (NM_001407697.1, NM_001407698.1, NM_001407724.1 and 29 more transcripts); c.787+1458G>A (NM_001408404.1, NM_001408472.1, NM_001407990.1 and 17 more transcripts); c.2101G>A, p.Asp701Asn (NM_001407743.1, NM_001407744.1, NM_001407745.1 and 20 more transcripts); c.788-1147G>A (NM_001407969.1, NM_001407968.1); c.643+1458G>A (NM_001408468.1, NM_001408470.1, NM_001408464.1 and 3 more transcripts); c.577+1458G>A (NM_001408492.1, NM_001408481.1, NM_001408480.1 and 9 more transcripts); c.2032G>A, p.Asp678Asn (NM_001407853.1, NM_001407894.1, NM_001407895.1 and 9 more transcripts); and 41 more; short protein forms D749N, D702N, D581N, D621N, D622N, D661N, D679N, D682N.
Identifiers: ClinVar variation 240781 (VCV000240781.15), dbSNP rs80357114, ClinGen allele CA10583573.

ClinVar aggregate classification (germline): Conflicting classifications of pathogenicity. Review status: criteria provided, conflicting classifications (1 of 4 stars). 4 submissions from 4 submitters: Uncertain significance (3); Likely benign (1). Last evaluated 2025-02-18.

Conditions:
Hereditary cancer-predisposing syndrome. Also called: Tumor predisposition; Neoplastic Syndromes, Hereditary; Hereditary Cancer Syndrome; Hereditary neoplastic syndrome. Identifiers: Orphanet 140162, MedGen C0027672, MeSH D009386, MONDO:0015356.
Hereditary breast ovarian cancer syndrome. Also called: Hereditary breast and ovarian cancer syndrome; Hereditary breast and ovarian cancer; Hereditary breast and ovarian cancer syndrome (HBOC); Hereditary breast and/or ovarian cancer syndrome; Breast and ovarian cancer; BRCA1- and BRCA2-Associated Hereditary Breast and Ovarian Cancer. Identifiers: Orphanet 145, MedGen C0677776, MeSH D061325, MONDO:0003582. Disease mechanism: loss of function.

Submissions (4):

Ambry Genetics
Classification: Uncertain significance for Hereditary cancer-predisposing syndrome. Last evaluated: 2025-02-18. Review status: criteria provided, single submitter. Criteria: Ambry Variant Classification Scheme 2023. Collection method: clinical testing. Allele origin: germline.
Comment: The p.D749N variant (also known as c.2245G>A), located in coding exon 9 of the BRCA1 gene, results from a G to A substitution at nucleotide position 2245. The aspartic acid at codon 749 is replaced by asparagine, an amino acid with highly similar properties. This amino acid position is not well conserved in available vertebrate species. In addition, this alteration is predicted to be tolerated by in silico analysis. Based on the available evidence, the clinical significance of this variant remains unclear.

University of Washington Department of Laboratory Medicine, University of Washington
Classification: Likely benign for Hereditary cancer-predisposing syndrome. Last evaluated: 2023-03-23. Review status: criteria provided, single submitter. Criteria: Dines et al. (Genet Med. 2020). Collection method: curation. Allele origin: germline.
Comment: Missense variant in a coldspot region where missense variants are very unlikely to be pathogenic (PMID:31911673).

BRCA1 coldspot (exon 11 using historical exon numbering). Reclassification based on statistical prior probability

Color Diagnostics, LLC DBA Color Health
Classification: Uncertain significance for Hereditary cancer-predisposing syndrome. Last evaluated: 2020-08-24. Review status: criteria provided, single submitter. Criteria: ACMG Guidelines, 2015. Collection method: clinical testing. Allele origin: germline.
Comment: This missense variant replaces aspartic acid with asparagine at codon 749 of the BRCA1 protein. Computational prediction suggests that this variant may not impact protein structure and function (internally defined REVEL score threshold <= 0.5, PMID: 27666373). To our knowledge, functional studies have not been reported for this variant. This variant has not been reported in individuals affected with hereditary cancer in the literature. This variant has been identified in 1/251168 chromosomes in the general population by the Genome Aggregation Database (gnomAD). The available evidence is insufficient to determine the role of this variant in disease conclusively. Therefore, this variant is classified as a Variant of Uncertain Significance.

Labcorp Genetics (formerly Invitae), Labcorp
Classification: Uncertain significance for Hereditary breast ovarian cancer syndrome. Last evaluated: 2016-03-05. Review status: criteria provided, single submitter. Criteria: Invitae Variant Classification Sherloc (09022015). Collection method: clinical testing. Allele origin: germline.
Comment: Algorithms developed to predict the effect of missense changes on protein structure and function (SIFT, PolyPhen-2, Align-GVGD) all suggest that this variant is likely to be tolerated, but these predictions have not been confirmed by published functional studies. In summary, this variant is a novel missense change that is not predicted to affect protein function. There is no indication that it causes disease, but the available evidence is currently insufficient to prove that conclusively. Therefore, it has been classified as a Variant of Uncertain Significance. This variant is not present in population databases (ExAC no frequency) and has not been reported in the literature in individuals with a BRCA1-related disease. This sequence change replaces aspartic acid with asparagine at codon 749 of the BRCA1 protein (p.Asp749Asn). The aspartic acid residue is moderately conserved and there is a small physicochemical difference between aspartic acid and asparagine.